The following is an entry in ClinVar:

NM_080546.5(SLC44A1):c.1701A>G (p.Val567=)

Gene: SLC44A1 (solute carrier family 44 member 1; plus strand). Cytogenetic location: 9q31.1.
Variant type: single nucleotide variant.
Coding change: c.1701A>G on transcript NM_080546.5 (MANE Select); coding-DNA position 1701, A replaced by G.
Protein change: p.Val567=; no amino-acid change (valine 567 retained).
Molecular consequence: synonymous variant.
Genome position (GRCh38, 1-based): chr9:105,383,191, A>G. VCF-style: chr9-105383191-A-G. GRCh37 (hg19) VCF-style: chr9-108145472-A-G.
Other names: c.1701A>G, p.Val567= (NM_001286730.2, NM_001330731.2).
Identifiers: ClinVar variation 3045943 (VCV003045943.2), dbSNP rs575344705, ClinGen allele CA5169997.

ClinVar aggregate classification (germline): Benign (0 of 4 stars; one submission).

Conditions:
SLC44A1-related disorder. Also called: SLC44A1-related condition.

Allele frequency attached by ClinVar (database versions not stated): TOPMed 0.00008; gnomAD 0.00035; gnomAD exomes 0.00043; ExAC 0.00106; 1000 Genomes Project 30x 0.00172; 1000 Genomes Project 0.00220.
gnomAD v4.1: 686 of 1,614,188 alleles (0.042%); highest among the groups gnomAD compares: South Asian, 0.7%; 11 homozygotes.

Submission:

PreventionGenetics, part of Exact Sciences
Classification: Benign for SLC44A1-related condition. Last evaluated: 2019-10-31. Review status: no assertion criteria provided. Collection method: clinical testing. Allele origin: germline.
Comment: This variant is classified as benign based on ACMG/AMP sequence variant interpretation guidelines (Richards et al. 2015 PMID: 25741868, with internal and published modifications).